The following is an entry in ClinVar:

ClinVar aggregate classification (germline): Uncertain significance. Review status: criteria provided, multiple submitters, no conflicts (2 of 4 stars). 4 submissions from 4 submitters: Uncertain significance (4). Last evaluated 2025-11-03.

Conditions:
Carney-Stratakis syndrome. Also called: PARAGANGLIOMA AND GASTROINTESTINAL STROMAL TUMOR. Identifiers: Orphanet 97286, MedGen C1847319, MONDO:0011740, OMIM 606864.
Mitochondrial complex 2 deficiency, nuclear type 3. Also called: MITOCHONDRIAL COMPLEX II DEFICIENCY, NUCLEAR TYPE 3. Identifiers: MedGen C5436934, MONDO:0030937, OMIM 619167.
Pheochromocytoma/paraganglioma syndrome 1. Also called: Paragangliomas 1; Glomus tumors familial 1; Paraganglioma - glomus jugulare; SDHD-Related Hereditary Paraganglioma-Pheochromocytoma Syndrome; PARAGANGLIOMAS, FAMILIAL NONCHROMAFFIN, 1; PGL 1. Identifiers: Orphanet 29072, MedGen C3494181, MONDO:0008192, OMIM 168000.
Paragangliomas with sensorineural hearing loss. Identifiers: MedGen C1868633.
Pheochromocytoma. Also called: MAX-Related Hereditary Paraganglioma-Pheochromocytoma Syndrome. Identifiers: Orphanet 29072, MedGen C0031511, MONDO:0008233, OMIM 171300, HP:0002666.
Cowden syndrome 3 (CWS3). Identifiers: Orphanet 201, MedGen CN166604, MONDO:0014045.
Hereditary cancer-predisposing syndrome. Also called: Neoplastic Syndromes, Hereditary; Hereditary Cancer Syndrome; Hereditary neoplastic syndrome; Tumor predisposition. Identifiers: Orphanet 140162, MedGen C0027672, MeSH D009386, MONDO:0015356.

Allele frequency attached by ClinVar (database versions not stated): gnomAD exomes below 0.00001.

Submissions (4):

Labcorp Genetics (formerly Invitae), Labcorp
Classification: Uncertain significance for Carney-Stratakis syndrome; Paragangliomas with sensorineural hearing loss; Pheochromocytoma; Cowden syndrome 3. Last evaluated: 2025-11-03. Review status: criteria provided, single submitter. Criteria: Invitae Variant Classification Sherloc (09022015). Collection method: clinical testing. Allele origin: germline.
Comment: This sequence change replaces leucine, which is neutral and non-polar, with phenylalanine, which is neutral and non-polar, at codon 21 of the SDHD protein (p.Leu21Phe). This variant is not present in population databases (gnomAD no frequency). This variant has not been reported in the literature in individuals affected with SDHD-related conditions. ClinVar contains an entry for this variant (Variation ID: 826240). Invitae Evidence Modeling of protein sequence and biophysical properties (such as structural, functional, and spatial information, amino acid conservation, physicochemical variation, residue mobility, and thermodynamic stability) indicates that this missense variant is not expected to disrupt SDHD protein function with a negative predictive value of 95%. In summary, the available evidence is currently insufficient to determine the role of this variant in disease. Therefore, it has been classified as a Variant of Uncertain Significance.

Ambry Genetics
Classification: Uncertain significance for Hereditary cancer-predisposing syndrome. Last evaluated: 2025-03-10. Review status: criteria provided, single submitter. Criteria: Ambry Variant Classification Scheme 2023. Collection method: clinical testing. Allele origin: germline.
Comment: The p.L21F variant (also known as c.61C>T), located in coding exon 2 of the SDHD gene, results from a C to T substitution at nucleotide position 61. The leucine at codon 21 is replaced by phenylalanine, an amino acid with highly similar properties. This amino acid position is well conserved in available vertebrate species. In addition, the in silico prediction for this alteration is inconclusive. Since supporting evidence is limited at this time, the clinical significance of this alteration remains unclear.

Department of Pathology and Laboratory Medicine, Sinai Health System
Classification: Uncertain significance for Pheochromocytoma/paraganglioma syndrome 1; Carney-Stratakis syndrome; Mitochondrial complex 2 deficiency, nuclear type 3. Last evaluated: 2025-01-13. Review status: criteria provided, single submitter. Criteria: ACMG Guidelines, 2015. Collection method: clinical testing. Allele origin: germline.

GeneDx
Classification: Uncertain significance. Last evaluated: 2022-03-01. Review status: criteria provided, single submitter. Criteria: GeneDx Variant Classification Process June 2021. Collection method: clinical testing. Allele origin: germline. Affected: yes.
Comment: Not observed at significant frequency in large population cohorts (gnomAD); In silico analysis supports that this missense variant has a deleterious effect on protein structure/function; Has not been previously published as pathogenic or benign to our knowledge

NM_003002.4(SDHD):c.61C>T (p.Leu21Phe)

Gene: SDHD (succinate dehydrogenase complex subunit D; plus strand). Cytogenetic location: 11q23.1.
Variant type: single nucleotide variant.
Coding change: c.61C>T on transcript NM_003002.4 (MANE Select); coding-DNA position 61, C replaced by T.
Protein change: p.Leu21Phe; replaces leucine 21 with phenylalanine.
Molecular consequence: missense variant. On other transcripts: non-coding transcript variant (1), intron variant (1).
Genome position (GRCh38, 1-based): chr11:112,087,865, C>T. VCF-style: chr11-112087865-C-T. GRCh37 (hg19) VCF-style: chr11-111958589-C-T.
Other names: c.61C>T, p.Leu21Phe (NM_001276503.2, NM_001276506.2); c.52+906C>T (NM_001276504.2); short protein forms L21F.
Identifiers: ClinVar variation 826240 (VCV000826240.16), dbSNP rs1592778703, ClinGen allele CA382616920.